The following is an entry in ClinVar:

NM_000142.5(FGFR3):c.245T>C (p.Val82Ala)

Gene: FGFR3 (fibroblast growth factor receptor 3; plus strand). Cytogenetic location: 4p16.3.
Variant type: single nucleotide variant.
Coding change: c.245T>C on transcript NM_000142.5 (MANE Select); coding-DNA position 245, T replaced by C.
Protein change: p.Val82Ala; replaces valine 82 with alanine.
Molecular consequence: missense variant. On other transcripts: non-coding transcript variant (1).
Genome position (GRCh38, 1-based): chr4:1,799,389, T>C. VCF-style: chr4-1799389-T-C. GRCh37 (hg19) VCF-style: chr4-1801116-T-C.
Other names: c.245T>C, p.Val82Ala (NM_001163213.2, NM_001354809.2, NM_001354810.2 and 1 more transcripts); short protein forms V82A.
Identifiers: ClinVar variation 3384843 (VCV003384843.1).

ClinVar aggregate classification (germline): Uncertain significance (1 of 4 stars; one submission).

Submission:

Women's Health and Genetics/Laboratory Corporation of America, LabCorp
Classification: Uncertain significance. Last evaluated: 2024-10-08. Review status: criteria provided, single submitter. Criteria: LabCorp Variant Classification Summary - May 2015. Collection method: clinical testing. Allele origin: germline.
Comment: Variant summary: FGFR3 c.245T>C (p.Val82Ala) results in a non-conservative amino acid change located in the Immunoglobulin domain subtype (IPR003599) of the encoded protein sequence. Four of five in-silico tools predict a benign effect of the variant on protein function. The variant was absent in 243340 control chromosomes. The available data on variant occurrences in the general population are insufficient to allow any conclusion about variant significance. To our knowledge, no occurrence of c.245T>C in individuals affected with Achondroplasia and no experimental evidence demonstrating its impact on protein function have been reported. No submitters have cited clinical-significance assessments for this variant to ClinVar. Based on the evidence outlined above, the variant was classified as uncertain significance.